The following is an entry in ClinVar:

ClinVar aggregate classification (germline): Uncertain significance (1 of 4 stars; one submission).

Conditions:
Chuvash polycythemia. Also called: POLYCYTHEMIA, VHL-DEPENDENT. Identifiers: Orphanet 238557, MedGen C1837915, MONDO:0009892, OMIM 263400.
Von Hippel-Lindau syndrome (VHLS). Also called: von Hippel–Lindau syndrome; VHL syndrome; Von Hippel-Lindau. Identifiers: Orphanet 892, MedGen C0019562, MONDO:0008667, OMIM 193300. Disease mechanism: loss of function.

Submission:

Labcorp Genetics (formerly Invitae), Labcorp
Classification: Uncertain significance for Von Hippel-Lindau syndrome; Chuvash polycythemia. Last evaluated: 2025-12-24. Review status: criteria provided, single submitter. Criteria: Invitae Variant Classification Sherloc (09022015). Collection method: clinical testing. Allele origin: germline.
Comment: This sequence change falls in intron 1 of the VHL gene. It is not expected to change the encoded amino acid sequence of the VHL protein. However, this sequence change falls within a cryptic exon in the VHL gene, known as exon E1’, which is naturally expressed at low levels in several human tissues (PMID: 29891534). This variant is not present in population databases (gnomAD no frequency). This variant has been observed in individual(s) with paraganglioma (PMID: 31996412). RNA analysis provides insufficient evidence to determine the effect of this variant on VHL splicing (internal data). In summary, the available evidence is currently insufficient to determine the role of this variant in disease. Therefore, it has been classified as a Variant of Uncertain Significance.

Literature cited by the submitters: PubMed 29891534; PubMed 31996412.

NM_000551.4(VHL):c.340+725A>T

Genes: VHL (von Hippel-Lindau tumor suppressor; plus strand), LOC107303340 (3p25 von Hippel-Lindau tumor suppressor, E3 ubiquitin protein ligase Alu-mediated recombination region; plus strand). Cytogenetic location: 3p25.3.
Variant type: single nucleotide variant.
Coding change: c.340+725A>T on transcript NM_000551.4 (MANE Select); 725 bases into the intron after coding-DNA position 340, A replaced by T.
Molecular consequence: intron variant. On other transcripts: missense variant (1), non-coding transcript variant (1).
Genome position (GRCh38, 1-based): chr3:10,142,912, A>T. VCF-style: chr3-10142912-A-T. GRCh37 (hg19) VCF-style: chr3-10184596-A-T.
Other names: c.490A>T, p.Thr164Ser (NM_001354723.2); c.340+725A>T (NM_198156.3); short protein forms T164S.
Identifiers: ClinVar variation 4793780 (VCV004793780.1).